The following is an entry in ClinVar:

NM_007186.6(CEP250):c.5500del (p.Glu1834fs)

Gene: CEP250 (centrosomal protein 250; plus strand). Cytogenetic location: 20q11.22.
Variant type: Deletion.
Coding change: c.5500del on transcript NM_007186.6 (MANE Select); coding-DNA position 5500, one base deleted (G; older notation c.5500delG).
Protein change: p.Glu1834fs; shifts the reading frame from glutamic acid 1834.
Molecular consequence: frameshift variant.
Genome position (GRCh38, 1-based): chr20:35,503,869, G deleted; the last of 2 consecutive G bases (chr20:35,503,868-35,503,869); deleting either gives the same sequence. VCF-style (leftmost placement, unchanged base first): chr20-35503867-AG-A. GRCh37 (hg19) VCF-style: chr20-34091695-AG-A.
Other names: c.3604del, p.Glu1202fs (NM_001318219.1); short protein forms E1834fs, E1202fs.
Identifiers: ClinVar variation 1395208 (VCV001395208.6), dbSNP rs2147164893, ClinGen allele CA2573157074.
Genomic context (GRCh38, chr20:35,503,867, plus strand): 5'-CCCAGAGGGACCAGGAACTGGAGGCTCTGCAGCAAGAACAGCAGCAGGCCCAGGGACAGG[AG>A]GAGAGGGTGAAGGAAAAGGCAGACGCCCTCCAGGGAGCTCTGGAGCAAGCCCATATGACA-3'

ClinVar aggregate classification (germline): Pathogenic (1 of 4 stars; one submission).

Submission:

Labcorp Genetics (formerly Invitae), Labcorp
Classification: Pathogenic. Last evaluated: 2022-07-19. Review status: criteria provided, single submitter. Criteria: Invitae Variant Classification Sherloc (09022015). Collection method: clinical testing. Allele origin: germline.
Comment: For these reasons, this variant has been classified as Pathogenic. ClinVar contains an entry for this variant (Variation ID: 1395208). This variant has not been reported in the literature in individuals affected with CEP250-related conditions. This variant is not present in population databases (gnomAD no frequency). This sequence change creates a premature translational stop signal (p.Glu1834Argfs*3) in the CEP250 gene. It is expected to result in an absent or disrupted protein product. Loss-of-function variants in CEP250 are known to be pathogenic (PMID: 24780881, 29718797).

Literature cited by the submitters: PubMed 24780881; PubMed 29718797.